The following is an entry in ClinVar:

ClinVar aggregate classification (germline): Uncertain significance. Review status: criteria provided, multiple submitters, no conflicts (2 of 4 stars). 2 submissions from 2 submitters: Uncertain significance (2). Last evaluated 2024-12-04.

Conditions:
Inborn genetic diseases. Identifiers: MedGen C0950123, MeSH D030342.

Allele frequency attached by ClinVar (database versions not stated): ESP Exome Variant Server 0.00008; gnomAD exomes below 0.00001.
gnomAD v4.1: 2 of 1,613,628 alleles (0.00012%); highest among the groups gnomAD compares: Non-Finnish European, 0.00017%; no homozygotes.

Submissions (2):

Ambry Genetics
Classification: Uncertain significance for Inborn genetic diseases. Last evaluated: 2024-12-04. Review status: criteria provided, single submitter. Criteria: Ambry Variant Classification Scheme 2023. Collection method: clinical testing. Allele origin: germline.

Labcorp Genetics (formerly Invitae), Labcorp
Classification: Uncertain significance. Last evaluated: 2022-01-03. Review status: criteria provided, single submitter. Criteria: Invitae Variant Classification Sherloc (09022015). Collection method: clinical testing. Allele origin: germline.
Comment: This sequence change replaces alanine, which is neutral and non-polar, with serine, which is neutral and polar, at codon 3179 of the LRP2 protein (p.Ala3179Ser). This variant is not present in population databases (gnomAD no frequency). This variant has not been reported in the literature in individuals affected with LRP2-related conditions. Advanced modeling of protein sequence and biophysical properties (such as structural, functional, and spatial information, amino acid conservation, physicochemical variation, residue mobility, and thermodynamic stability) performed at Invitae indicates that this missense variant is not expected to disrupt LRP2 protein function. In summary, the available evidence is currently insufficient to determine the role of this variant in disease. Therefore, it has been classified as a Variant of Uncertain Significance.

NM_004525.3(LRP2):c.9535G>T (p.Ala3179Ser)

Gene: LRP2 (LDL receptor related protein 2; minus strand). Cytogenetic location: 2q31.1.
Variant type: single nucleotide variant.
Coding change: c.9535G>T on transcript NM_004525.3 (MANE Select); coding-DNA position 9535, G replaced by T.
Protein change: p.Ala3179Ser; replaces alanine 3179 with serine.
Molecular consequence: missense variant.
Genome position (GRCh38, 1-based): chr2:169,185,813, C>A on the plus strand (G>T on the coding strand, the complement: LRP2 is on the minus strand). VCF-style: chr2-169185813-C-A. GRCh37 (hg19) VCF-style: chr2-170042323-C-A.
Other names: c.9535G>T (NM_004525.2); short protein forms A3179S.
Identifiers: ClinVar variation 1496167 (VCV001496167.6), dbSNP rs147477304, ClinGen allele CA59916880.
Genomic context (GRCh38, chr2:169,185,813, plus strand): 5'-GTTCGATGTTACTGTTTTGCCGGCAGGTCTTTCCATCTGGTTCTCGGAGGTAGCCTGGGG[C>A]ACACTTACAGATGTAGGAGCCTATTACATTCTCACACTTCTGGCTACAGACAAAAGGCAT-3'
Protein context (NP_004516.2, residues 3169-3189): NVIGSYICKC[Ala3179Ser]PGYLREPDGK